The following is an entry in ClinVar:

NM_001023.4(RPS20):c.6T>C (p.Ala2=)

Gene: RPS20 (ribosomal protein S20; minus strand). Cytogenetic location: 8q12.1.
Variant type: single nucleotide variant.
Coding change: c.6T>C on transcript NM_001023.4 (MANE Select); coding-DNA position 6, T replaced by C.
Protein change: p.Ala2=; no amino-acid change (alanine 2 retained).
Molecular consequence: synonymous variant.
Genome position (GRCh38, 1-based): chr8:56,074,157, A>G on the plus strand (T>C on the coding strand, the complement: RPS20 is on the minus strand). VCF-style: chr8-56074157-A-G. GRCh37 (hg19) VCF-style: chr8-56986716-A-G.
Other names: c.6T>C (NM_001023.3); c.6T>C, p.Ala2= (NM_001146227.3).
Identifiers: ClinVar variation 2658609 (VCV002658609.25), dbSNP rs2486985711, ClinGen allele CA461101711.

ClinVar aggregate classification (germline): Likely benign. Review status: criteria provided, multiple submitters, no conflicts (2 of 4 stars). 2 submissions from 2 submitters: Likely benign (2). Last evaluated 2024-07-27.

Submissions (2):

Ambry Genetics
Classification: Likely benign. Last evaluated: 2024-07-27. Review status: criteria provided, single submitter. Criteria: Ambry Variant Classification Scheme 2023. Collection method: clinical testing. Allele origin: germline.

CeGaT Center for Human Genetics Tuebingen
Classification: Likely benign. Last evaluated: 2023-03-01. Review status: criteria provided, single submitter. Criteria: CeGaT Center For Human Genetics Tuebingen Variant Classification Criteria Version 2. Collection method: clinical testing. Allele origin: germline. Affected: yes. Observed: 1 variant allele.
Comment: RPS20: PM2:Supporting, BP4, BP7